The following is an entry in ClinVar:

ClinVar aggregate classification (germline): Conflicting classifications of pathogenicity. Review status: criteria provided, conflicting classifications (1 of 4 stars). 2 submissions from 2 submitters: Likely pathogenic (1); Uncertain significance (1). Last evaluated 2023-05-11.

Conditions:
Congenital myotonia, autosomal dominant form (THD). Also called: THOMSEN DISEASE; Myotonia congenita autosomal dominant. Identifiers: Orphanet 614, MedGen C2936781, MONDO:0008055, OMIM 160800.
Congenital myotonia, autosomal recessive form. Also called: Becker Generalized Myotonia; myotonia congenita, autosomal recessive; BECKER DISEASE. Identifiers: Orphanet 614, MedGen C0751360, MONDO:0009715, OMIM 255700.

Allele frequency attached by ClinVar (database versions not stated): TOPMed below 0.00001; ExAC 0.00001; gnomAD 0.00001; ESP Exome Variant Server 0.00008.
gnomAD v4.1: 1 of 1,614,072 alleles (0.000062%); highest among the groups gnomAD compares: Non-Finnish European, 0.000085%; no homozygotes.

Submissions (2):

Labcorp Genetics (formerly Invitae), Labcorp
Classification: Likely pathogenic for Congenital myotonia, autosomal recessive form; Congenital myotonia, autosomal dominant form. Last evaluated: 2023-05-11. Review status: criteria provided, single submitter. Criteria: Invitae Variant Classification Sherloc (09022015). Collection method: clinical testing. Allele origin: germline.
Comment: In summary, the currently available evidence indicates that the variant is pathogenic, but additional data are needed to prove that conclusively. Therefore, this variant has been classified as Likely Pathogenic. Advanced modeling of protein sequence and biophysical properties (such as structural, functional, and spatial information, amino acid conservation, physicochemical variation, residue mobility, and thermodynamic stability) performed at Invitae indicates that this missense variant is expected to disrupt CLCN1 protein function. ClinVar contains an entry for this variant (Variation ID: 1038555). This missense change has been observed in individual(s) with clinical suspicion of autosomal recessive myotonia congenita (Invitae). In at least one individual the data is consistent with being in trans (on the opposite chromosome) from a pathogenic variant. This variant is present in population databases (rs375292685, gnomAD 0.0009%). This sequence change replaces leucine, which is neutral and non-polar, with serine, which is neutral and polar, at codon 427 of the CLCN1 protein (p.Leu427Ser).

Revvity Omics, Revvity
Classification: Uncertain significance. Last evaluated: 2019-05-31. Review status: criteria provided, single submitter. Criteria: ACMG Guidelines, 2015. Collection method: clinical testing. Allele origin: germline.

NM_000083.3(CLCN1):c.1280T>C (p.Leu427Ser)

Gene: CLCN1 (chloride voltage-gated channel 1; plus strand). Cytogenetic location: 7q34.
Variant type: single nucleotide variant.
Coding change: c.1280T>C on transcript NM_000083.3 (MANE Select); coding-DNA position 1280, T replaced by C.
Protein change: p.Leu427Ser; replaces leucine 427 with serine.
Molecular consequence: missense variant.
Genome position (GRCh38, 1-based): chr7:143,332,752, T>C. VCF-style: chr7-143332752-T-C. GRCh37 (hg19) VCF-style: chr7-143029845-T-C.
Other names: c.1280T>C (NM_000083.2); short protein forms L427S.
Identifiers: ClinVar variation 1038555 (VCV001038555.11), dbSNP rs375292685, ClinGen allele CA4537314.